The following is an entry in ClinVar:

ClinVar aggregate classification (germline): Uncertain significance. Review status: criteria provided, multiple submitters, no conflicts (2 of 4 stars). 2 submissions from 2 submitters: Uncertain significance (2). Last evaluated 2024-11-23.

Conditions:
Inborn genetic diseases. Identifiers: MedGen C0950123, MeSH D030342.
Baller-Gerold syndrome (BGS). Also called: CRANIOSYNOSTOSIS WITH RADIAL DEFECTS. Identifiers: Orphanet 1225, MedGen C0265308, MONDO:0009039, OMIM 218600.

gnomAD v4.1: 1 of 1,612,174 alleles (0.000062%); highest among the groups gnomAD compares: South Asian, 0.0011%; no homozygotes.

Submissions (2):

Ambry Genetics
Classification: Uncertain significance for Inborn genetic diseases. Last evaluated: 2024-11-23. Review status: criteria provided, single submitter. Criteria: Ambry Variant Classification Scheme 2023. Collection method: clinical testing. Allele origin: germline.
Comment: The p.Q360H variant (also known as c.1080G>C), located in coding exon 5 of the RECQL4 gene, results from a G to C substitution at nucleotide position 1080. The glutamine at codon 360 is replaced by histidine, an amino acid with highly similar properties. This amino acid position is conserved. In addition, this alteration is predicted to be tolerated by in silico analysis. Based on the available evidence, the clinical significance of this variant remains unclear.

Labcorp Genetics (formerly Invitae), Labcorp
Classification: Uncertain significance for Baller-Gerold syndrome. Last evaluated: 2023-06-23. Review status: criteria provided, single submitter. Criteria: Invitae Variant Classification Sherloc (09022015). Collection method: clinical testing. Allele origin: germline.
Comment: This variant has not been reported in the literature in individuals affected with RECQL4-related conditions. ClinVar contains an entry for this variant (Variation ID: 941903). Advanced modeling of protein sequence and biophysical properties (such as structural, functional, and spatial information, amino acid conservation, physicochemical variation, residue mobility, and thermodynamic stability) performed at Invitae indicates that this missense variant is not expected to disrupt RECQL4 protein function. In summary, the available evidence is currently insufficient to determine the role of this variant in disease. Therefore, it has been classified as a Variant of Uncertain Significance. This sequence change replaces glutamine, which is neutral and polar, with histidine, which is basic and polar, at codon 360 of the RECQL4 protein (p.Gln360His). This variant is not present in population databases (gnomAD no frequency).

NM_004260.4(RECQL4):c.1080G>C (p.Gln360His)

Gene: RECQL4 (RecQ like helicase 4; minus strand). Cytogenetic location: 8q24.3.
Variant type: single nucleotide variant.
Coding change: c.1080G>C on transcript NM_004260.4 (MANE Select); coding-DNA position 1080, G replaced by C.
Protein change: p.Gln360His; replaces glutamine 360 with histidine.
Molecular consequence: missense variant.
Genome position (GRCh38, 1-based): chr8:144,516,039, C>G on the plus strand (G>C on the coding strand, the complement: RECQL4 is on the minus strand). VCF-style: chr8-144516039-C-G. GRCh37 (hg19) VCF-style: chr8-145741423-C-G.
Other names: short protein forms Q360H.
Identifiers: ClinVar variation 941903 (VCV000941903.7), dbSNP rs768049351, ClinGen allele CA372688137.